The following is an entry in ClinVar:

ClinVar aggregate classification (germline): Benign (1 of 4 stars; one submission).

Allele frequency attached by ClinVar (database versions not stated): 1000 Genomes Project 30x 0.33245; gnomAD 0.48880 and 0.49327; 1000 Genomes Project 0.33686; TOPMed 0.46764.

Submission:

GeneDx
Classification: Benign. Last evaluated: 2018-06-19. Review status: criteria provided, single submitter. Criteria: GeneDx Variant Classification (06012015). Collection method: clinical testing. Allele origin: germline. Affected: yes.
Comment: This variant is considered likely benign or benign based on one or more of the following criteria: it is a conservative change, it occurs at a poorly conserved position in the protein, it is predicted to be benign by multiple in silico algorithms, and/or has population frequency not consistent with disease.

NM_004572.3(PKP2):c.-264G>A

Gene: PKP2 (plakophilin 2; minus strand). Cytogenetic location: 12p11.21.
Variant type: single nucleotide variant.
Coding change: c.-264G>A on transcript NM_004572.3; 264 bases upstream of the start codon, G replaced by A.
Genome position (GRCh38, 1-based): chr12:32,896,995, C>T on the plus strand (G>A on the coding strand, the complement: PKP2 is on the minus strand). VCF-style: chr12-32896995-C-T. GRCh37 (hg19) VCF-style: chr12-33049929-C-T.
Identifiers: ClinVar variation 683983 (VCV000683983.3), dbSNP rs76078632, ClinGen allele CA13773840.